The following is an entry in ClinVar:

ClinVar aggregate classification (germline): Uncertain significance (1 of 4 stars; one submission).

Submission:

Labcorp Genetics (formerly Invitae), Labcorp
Classification: Uncertain significance. Last evaluated: 2024-10-23. Review status: criteria provided, single submitter. Criteria: Invitae Variant Classification Sherloc (09022015). Collection method: clinical testing. Allele origin: germline.
Comment: This sequence change replaces asparagine, which is neutral and polar, with lysine, which is basic and polar, at codon 177 of the POLE protein (p.Asn177Lys). This variant is not present in population databases (gnomAD no frequency). This variant has not been reported in the literature in individuals affected with POLE-related conditions. Invitae Evidence Modeling of protein sequence and biophysical properties (such as structural, functional, and spatial information, amino acid conservation, physicochemical variation, residue mobility, and thermodynamic stability) indicates that this missense variant is not expected to disrupt POLE protein function with a negative predictive value of 80%. In summary, the available evidence is currently insufficient to determine the role of this variant in disease. Therefore, it has been classified as a Variant of Uncertain Significance.

NM_006231.4(POLE):c.531C>A (p.Asn177Lys)

Gene: POLE (DNA polymerase epsilon, catalytic subunit; minus strand). Cytogenetic location: 12q24.33.
Variant type: single nucleotide variant.
Coding change: c.531C>A on transcript NM_006231.4 (MANE Select); coding-DNA position 531, C replaced by A.
Protein change: p.Asn177Lys; replaces asparagine 177 with lysine.
Molecular consequence: missense variant.
Genome position (GRCh38, 1-based): chr12:132,679,544, G>T on the plus strand (C>A on the coding strand, the complement: POLE is on the minus strand). VCF-style: chr12-132679544-G-T. GRCh37 (hg19) VCF-style: chr12-133256130-G-T.
Other names: short protein forms N177K.
Identifiers: ClinVar variation 3700505 (VCV003700505.2).
Genomic context (GRCh38, chr12:132,679,544, plus strand): 5'-GACCAAAGTTTACCTGGAAAGCAGAGCTGTGTACGCGTCGCTGGCGTGATCCTGCTCCCT[G>T]TTCTTCTTCACGGCAGGGGAGATCTCCTTCCTCACTTTGACAAGATCCTCCACAGTGTGG-3'
Protein context (NP_006222.2, residues 167-187): RKEISPAVKK[Asn177Lys]REQDHASDAY